The following is an entry in ClinVar:

ClinVar aggregate classification (germline): Conflicting classifications of pathogenicity. Review status: criteria provided, conflicting classifications (1 of 4 stars). 3 submissions from 3 submitters: Uncertain significance (2); Likely benign (1). Last evaluated 2024-06-11.

Conditions:
Seizures, early-onset, with neurodegeneration and brain calcifications. Identifiers: MedGen C5394359, MONDO:0030033, OMIM 618875.
Inborn genetic diseases. Identifiers: MedGen C0950123, MeSH D030342.

Allele frequency attached by ClinVar (database versions not stated): 1000 Genomes Project 0.00020; 1000 Genomes Project 30x 0.00031; ExAC 0.00035; gnomAD exomes 0.00041 and 0.00068; ESP Exome Variant Server 0.00077.
gnomAD v4.1: 1,080 of 1,613,944 alleles (0.067%); highest among the groups gnomAD compares: Non-Finnish European, 0.084%; no homozygotes.

Submissions (3):

Labcorp Genetics (formerly Invitae), Labcorp
Classification: Uncertain significance. Last evaluated: 2024-06-11. Review status: criteria provided, single submitter. Criteria: Invitae Variant Classification Sherloc (09022015). Collection method: clinical testing. Allele origin: germline.
Comment: This sequence change replaces arginine, which is basic and polar, with glutamine, which is neutral and polar, at codon 60 of the NRROS protein (p.Arg60Gln). This variant is present in population databases (rs140967612, gnomAD 0.07%). This variant has not been reported in the literature in individuals affected with NRROS-related conditions. ClinVar contains an entry for this variant (Variation ID: 1367446). Advanced modeling of protein sequence and biophysical properties (such as structural, functional, and spatial information, amino acid conservation, physicochemical variation, residue mobility, and thermodynamic stability) performed at Invitae indicates that this missense variant is not expected to disrupt NRROS protein function with a negative predictive value of 80%. In summary, the available evidence is currently insufficient to determine the role of this variant in disease. Therefore, it has been classified as a Variant of Uncertain Significance.

Revvity Omics, Revvity
Classification: Uncertain significance for Seizures, early-onset, with neurodegeneration and brain calcifications. Last evaluated: 2022-08-24. Review status: criteria provided, single submitter. Criteria: ACMG Guidelines, 2015. Collection method: clinical testing. Allele origin: germline.

Ambry Genetics
Classification: Likely benign for Inborn genetic diseases. Last evaluated: 2021-12-03. Review status: criteria provided, single submitter. Criteria: Ambry Variant Classification Scheme 2023. Collection method: clinical testing. Allele origin: germline.

NM_198565.3(NRROS):c.179G>A (p.Arg60Gln)

Gene: NRROS (negative regulator of reactive oxygen species; plus strand). Cytogenetic location: 3q29.
Variant type: single nucleotide variant.
Coding change: c.179G>A on transcript NM_198565.3 (MANE Select); coding-DNA position 179, G replaced by A.
Protein change: p.Arg60Gln; replaces arginine 60 with glutamine.
Molecular consequence: missense variant.
Genome position (GRCh38, 1-based): chr3:196,659,822, G>A. VCF-style: chr3-196659822-G-A. GRCh37 (hg19) VCF-style: chr3-196386693-G-A.
Other names: c.179G>A (NM_198565.1); short protein forms R60Q.
Identifiers: ClinVar variation 1367446 (VCV001367446.8), dbSNP rs140967612, ClinGen allele CA2781662.